The following is an entry in ClinVar:

NM_004991.4(MECOM):c.1670T>A (p.Val557Glu)

Gene: MECOM (MDS1 and EVI1 complex locus; minus strand). Cytogenetic location: 3q26.2.
Variant type: single nucleotide variant.
Coding change: c.1670T>A on transcript NM_004991.4 (MANE Select); coding-DNA position 1670, T replaced by A.
Protein change: p.Val557Glu; replaces valine 557 with glutamic acid.
Molecular consequence: missense variant. On other transcripts: intron variant (2).
Genome position (GRCh38, 1-based): chr3:169,116,202, A>T on the plus strand (T>A on the coding strand, the complement: MECOM is on the minus strand). VCF-style: chr3-169116202-A-T. GRCh37 (hg19) VCF-style: chr3-168833990-A-T.
Other names: c.1301T>A, p.Val434Glu (NM_001105077.4); c.1106T>A, p.Val369Glu (NM_001105078.4, NM_001164000.2, NM_001205194.2 and 4 more transcripts); c.1109T>A, p.Val370Glu (NM_001163999.2, NM_001366467.2, NM_001366468.2 and 1 more transcripts); c.1670T>A, p.Val557Glu (NM_001366466.2); c.1133-435T>A (NM_001366473.2); c.569-435T>A (NM_001366474.2); short protein forms V369E, V557E, V434E, V370E.
Identifiers: ClinVar variation 5024187 (VCV005024187.1).

ClinVar aggregate classification (germline): Uncertain significance (1 of 4 stars; one submission).

Conditions:
Inborn genetic diseases. Identifiers: MedGen C0950123, MeSH D030342.

Submission:

Ambry Genetics
Classification: Uncertain significance for Inborn genetic diseases. Last evaluated: 2026-08-16. Review status: criteria provided, single submitter. Criteria: Ambry Variant Classification Scheme 2023. Collection method: clinical testing. Allele origin: germline.
Comment: The p.V557E variant (also known as c.1670T>A), located in coding exon 8 of the MECOM gene, results from a T to A substitution at nucleotide position 1670. The valine at codon 557 is replaced by glutamic acid, an amino acid with dissimilar properties. This amino acid position is conserved. In addition, the in silico prediction for this alteration is inconclusive. Based on the available evidence, the clinical significance of this variant remains unclear.